The following is an entry in ClinVar:

NM_144997.7(FLCN):c.1300+1G>A

Gene: FLCN (folliculin; minus strand). Cytogenetic location: 17p11.2.
Variant type: single nucleotide variant.
Coding change: c.1300+1G>A on transcript NM_144997.7 (MANE Select); the canonical splice donor site of the intron after coding-DNA position 1300, G replaced by A.
Molecular consequence: splice donor variant.
Genome position (GRCh38, 1-based): chr17:17,216,379, C>T on the plus strand (G>A on the coding strand, the complement: FLCN is on the minus strand). VCF-style: chr17-17216379-C-T. GRCh37 (hg19) VCF-style: chr17-17119693-C-T.
Other names: c.1300+1G>A (NM_001353231.2, NM_001353230.2); c.1354+1G>A (NM_001353229.2).
Identifiers: ClinVar variation 253248 (VCV000253248.15), dbSNP rs879255676, ClinGen allele CA10586255.

ClinVar aggregate classification (germline): Pathogenic. Review status: criteria provided, multiple submitters, no conflicts (2 of 4 stars). 6 submissions from 6 submitters: Pathogenic (5). 1 of the submissions does not count toward it. Last evaluated 2025-09-17.

Conditions:
Hereditary cancer-predisposing syndrome. Also called: Tumor predisposition; Hereditary Cancer Syndrome; Neoplastic Syndromes, Hereditary; Hereditary neoplastic syndrome. Identifiers: Orphanet 140162, MedGen C0027672, MeSH D009386, MONDO:0015356.
Birt-Hogg-Dube syndrome. Also called: Birt Hogg Dubé syndrome. Identifiers: Orphanet 122, MedGen C0346010, MONDO:0800444.

Submissions (7):

Ambry Genetics
Classification: Pathogenic for Hereditary cancer-predisposing syndrome. Last evaluated: 2025-09-17. Review status: criteria provided, single submitter. Criteria: Ambry Variant Classification Scheme 2023. Collection method: clinical testing. Allele origin: germline.
Comment: The c.1300+1G>A intronic pathogenic mutation results from a G to A substitution one nucleotide after coding exon 8 of the FLCN gene. This mutation has also been seen in multiple individuals who meet clinical criteria for Birt-Hogg-Dube syndrome (Ambry internal data). This variant is considered to be rare based on population cohorts in the Genome Aggregation Database (gnomAD). In silico splice site analysis predicts that this alteration will weaken the native splice donor site. RNA studies have demonstrated that this alteration results in abnormal splicing in the set of samples tested (Ambry internal data). As such, this alteration is classified as a disease-causing mutation.

Mayo Clinic Laboratories, Mayo Clinic
Classification: Pathogenic. Last evaluated: 2025-08-12. Review status: criteria provided, single submitter. Criteria: ACMG Guidelines, 2015. Collection method: clinical testing. Allele origin: germline. Observed: 3 variant alleles.
Comment: PP4, PM2_supporting, PVS1

Labcorp Genetics (formerly Invitae), Labcorp
Classification: Pathogenic for Birt-Hogg-Dube syndrome. Last evaluated: 2025-07-08. Review status: criteria provided, single submitter. Criteria: Invitae Variant Classification Sherloc (09022015). Collection method: clinical testing. Allele origin: germline.
Comment: This sequence change affects a donor splice site in intron 11 of the FLCN gene. It is expected to disrupt RNA splicing. Variants that disrupt the donor or acceptor splice site typically lead to a loss of protein function (PMID: 16199547), and loss-of-function variants in FLCN are known to be pathogenic (PMID: 15852235). This variant is not present in population databases (gnomAD no frequency). Disruption of this splice site has been observed in individuals with Birt-Hogg-Dubé syndrome (PMID: 20618353, 31266032, 35477461, 37490463). It has also been observed to segregate with disease in related individuals. ClinVar contains an entry for this variant (Variation ID: 253248). Algorithms developed to predict the effect of sequence changes on RNA splicing suggest that this variant may disrupt the consensus splice site. For these reasons, this variant has been classified as Pathogenic.

Myriad Genetics, Inc.
Classification: Pathogenic for Birt-Hogg-Dube syndrome 1. Last evaluated: 2023-01-18. Review status: criteria provided, single submitter. Criteria: Myriad Autosomal Dominant, Autosomal Recessive and X-Linked Classification Criteria (2023). Collection method: clinical testing. Allele origin: unknown.
Comment: This variant is considered pathogenic. This variant occurs within a consensus splice junction and is predicted to result in abnormal mRNA splicing of either an out-of-frame exon or an in-frame exon necessary for protein stability and/or normal function. This variant has been reported in multiple individuals with clinical features of gene-specific disease [PMID: 35477461, 29157599, 31266032, 20618353].

Genomic Diagnostic Laboratory, Division of Genomic Diagnostics, Children's Hospital of Philadelphia
Classification: Pathogenic for Birt-Hogg-Dube Syndrome. Last evaluated: 2016-07-18. Review status: criteria provided, single submitter. Criteria: DGD Variant Analysis Guidelines. Collection method: clinical testing. Allele origin: germline. Affected: yes. Observed: 4 variant alleles.
Comment: Clinical Testing

Division of Respiratory Medicine of Juntendo University, Juntendo University Faculty of Medicine and Graduate School of Medicine
Classification: Pathogenic for Birt-Hogg-Dube syndrome 1. Last evaluated: 2023-07-01. Review status: no assertion criteria provided. Collection method: clinical testing. Allele origin: germline. Affected: yes. Not counted in ClinVar's aggregate classification.

Dr. Peter K. Rogan Lab, Western University
No classification provided (evidence only). Condition: Mesothelioma. Review status: no classification provided. Collection method: in vitro. Allele origin: not applicable. Functional consequence: skipped exon, retained intron. Not counted in ClinVar's aggregate classification.

Literature cited by the submitters: PubMed 29157599 (cited by 3 submitters); PubMed 35477461 (cited by 3 submitters); PubMed 16199547 (cited by Labcorp Genetics (formerly Invitae), Labcorp); PubMed 15852235 (cited by Labcorp Genetics (formerly Invitae), Labcorp); PubMed 20618353 (cited by Labcorp Genetics (formerly Invitae), Labcorp and Myriad Genetics, Inc.); PubMed 31266032 (cited by Labcorp Genetics (formerly Invitae), Labcorp and Myriad Genetics, Inc.); PubMed 37490463 (cited by Labcorp Genetics (formerly Invitae), Labcorp).